The following is an entry in ClinVar:

ClinVar aggregate classification (germline): Uncertain significance. Review status: criteria provided, multiple submitters, no conflicts (2 of 4 stars). 2 submissions from 2 submitters: Uncertain significance (2). Last evaluated 2026-03-13.

Allele frequency attached by ClinVar (database versions not stated): gnomAD exomes below 0.00001.
gnomAD v4.1: 1 of 1,552,324 alleles (0.000064%); highest among the groups gnomAD compares: East Asian, 0.0024%; no homozygotes.

Submissions (2):

Dasa
Classification: Uncertain significance. Last evaluated: 2026-03-13. Review status: criteria provided, single submitter. Criteria: DASA Assertion Criteria. Collection method: clinical testing. Allele origin: germline.
Comment: NM_020928.2(ZSWIM6):c.2434C>T (p.His812Tyr) is a missense variant that results in the substitution of histidine with tyrosine. This variant is rare in population databases. The currently available literature and clinical evidence are not sufficient to establish a definitive association between this variant and the reported condition. Therefore, this variant is classified as a variant of uncertain significance.

Labcorp Genetics (formerly Invitae), Labcorp
Classification: Uncertain significance. Last evaluated: 2025-06-12. Review status: criteria provided, single submitter. Criteria: Invitae Variant Classification Sherloc (09022015). Collection method: clinical testing. Allele origin: germline.
Comment: This sequence change replaces histidine, which is basic and polar, with tyrosine, which is neutral and polar, at codon 812 of the ZSWIM6 protein (p.His812Tyr). This variant is not present in population databases (gnomAD no frequency). This variant has not been reported in the literature in individuals affected with ZSWIM6-related conditions. ClinVar contains an entry for this variant (Variation ID: 3012017). Invitae Evidence Modeling of protein sequence and biophysical properties (such as structural, functional, and spatial information, amino acid conservation, physicochemical variation, residue mobility, and thermodynamic stability) indicates that this missense variant is not expected to disrupt ZSWIM6 protein function with a negative predictive value of 80%. In summary, the available evidence is currently insufficient to determine the role of this variant in disease. Therefore, it has been classified as a Variant of Uncertain Significance.

NM_020928.2(ZSWIM6):c.2434C>T (p.His812Tyr)

Gene: ZSWIM6 (zinc finger SWIM-type containing 6; plus strand). Cytogenetic location: 5q12.1.
Variant type: single nucleotide variant.
Coding change: c.2434C>T on transcript NM_020928.2 (MANE Select); coding-DNA position 2434, C replaced by T.
Protein change: p.His812Tyr; replaces histidine 812 with tyrosine.
Molecular consequence: missense variant.
Genome position (GRCh38, 1-based): chr5:61,538,866, C>T. VCF-style: chr5-61538866-C-T. GRCh37 (hg19) VCF-style: chr5-60834693-C-T.
Other names: short protein forms H812Y.
Identifiers: ClinVar variation 3012017 (VCV003012017.5), dbSNP rs2478390055, ClinGen allele CA359945336.